The following is an entry in ClinVar:

ClinVar aggregate classification (germline): Uncertain significance (1 of 4 stars; one submission).

gnomAD v4.1: 6 of 1,610,690 alleles (0.00037%); highest among the groups gnomAD compares: Non-Finnish European, 0.00051%; no homozygotes.

Submission:

GeneDx
Classification: Uncertain significance. Last evaluated: 2025-03-28. Review status: criteria provided, single submitter. Criteria: GeneDx Variant Classification Process June 2021. Collection method: clinical testing. Allele origin: germline.
Comment: Not observed at significant frequency in large population cohorts (gnomAD); In silico analysis supports that this missense variant has a deleterious effect on protein structure/function; Has not been previously published as pathogenic or benign to our knowledge

NM_000459.5(TEK):c.2680C>T (p.His894Tyr)

Gene: TEK (TEK receptor tyrosine kinase; plus strand). Cytogenetic location: 9p21.2.
Variant type: single nucleotide variant.
Coding change: c.2680C>T on transcript NM_000459.5 (MANE Select); coding-DNA position 2680, C replaced by T.
Protein change: p.His894Tyr; replaces histidine 894 with tyrosine.
Molecular consequence: missense variant.
Genome position (GRCh38, 1-based): chr9:27,209,225, C>T. VCF-style: chr9-27209225-C-T. GRCh37 (hg19) VCF-style: chr9-27209223-C-T.
Other names: c.2551C>T, p.His851Tyr (NM_001290077.2); c.2236C>T, p.His746Tyr (NM_001290078.2); c.2677C>T, p.His893Tyr (NM_001375475.1); c.2548C>T, p.His850Tyr (NM_001375476.1); short protein forms H746Y, H850Y, H851Y, H893Y, H894Y.
Identifiers: ClinVar variation 2499371 (VCV002499371.2), dbSNP rs2488980042, ClinGen allele CA373122179.
Genomic context (GRCh38, chr9:27,209,225, plus strand): 5'-GAAGTTCTTTGTAAACTTGGACACCATCCAAACATCATCAATCTCTTAGGAGCATGTGAA[C>T]ATCGAGGTAAGATGCTCTTTTCCTGTCTTTCCTGCCAGAGTTTTTATAAAACAGACAAAT-3'
Protein context (NP_000450.3, residues 884-904): NIINLLGACE[His894Tyr]RGYLYLAIEY